The following is an entry in ClinVar:

ClinVar aggregate classification (germline): Uncertain significance (1 of 4 stars; one submission).

Conditions:
Dilated cardiomyopathy 1G (CMD1G). Identifiers: Orphanet 154, MedGen C1858763, MONDO:0011400, OMIM 604145.

Submission:

Victorian Clinical Genetics Services, Murdoch Childrens Research Institute
Classification: Uncertain significance for Dilated cardiomyopathy 1G. Last evaluated: 2022-06-24. Review status: criteria provided, single submitter. Criteria: ACMG Guidelines, 2015. Collection method: clinical testing. Allele origin: germline. Inheritance: Autosomal dominant inheritance. Affected: yes.
Comment: Based on the classification scheme VCGS_Germline_v1.3.4, this variant is classified as VUS-3B. Following criteria are met: 0102 - Loss of function is known mechanism of disease in this gene. In addition, dominant-negative is also a suggested mechanism. (PMID: 25589632). (I) 0108 - This gene is associated with both recessive and dominant disease (OMIM). (I) 0112 - The condition associated with this gene has incomplete penetrance. Variants in this gene that result in a premature truncating codon (PTC) are known to have reduced penetrance in dilated cardiomyopathy (PMID: 25589632). (I) 0211 - Canonical splice site variant without proven consequence on splicing (no functional evidence available). This variant is located within a region containing three tandem repeats of nine exons that share 99% DNA sequence homology among them (PMID: 29792937). (SP) 0219 - This variant is non-coding in an alternative transcript. It is a canonical splice variant in three of the transcripts - the meta transcript NM_001267550.1, the skeletal muscle-predominant N2A isoform NM_133378.4 and the adult cardiac N2BA isoform NM_001256850.1. (I) 0256 - Zygosity of this variant could not be unambiguously determined. Due to the high degree of DNA sequence homology in this region (PMID: 29792937), this assay could not confirm the exact zygosity and location of this variant. (I) 0301 - Variant is absent from gnomAD (both v2 and v3). However, the sequencing coverage in this region is very low. (SP) 0508 - In silico predictions for abnormal splicing are conflicting. Abnormal splicing is predicted by in silico tool however the affected nucleotide is poorly conserved. (I) 0705 - No comparable splice site variants have previous evidence for pathogenicity. (I) 0807 - This variant has no previous evidence of pathogenicity. (I) 0905 - No published segregation evidence has been identified for this variant. (I) 1007 - No published functional evidence has been identified for this variant. (I) 1208 - Inheritance information for this variant is not currently available in this individual. (I) Legend: (SP) - Supporting pathogenic, (I) - Information, (SB) - Supporting benign

Literature cited by the submitters: PubMed 25589632; PubMed 29792937.

NM_001267550.2(TTN):c.37370-1G>A

Gene: TTN (titin; minus strand). Cytogenetic location: 2q31.2.
Variant type: single nucleotide variant.
Coding change: c.37370-1G>A on transcript NM_001267550.2 (MANE Select); the canonical splice acceptor site of the intron before coding-DNA position 37370, G replaced by A.
Molecular consequence: splice acceptor variant. On other transcripts: intron variant (3).
Genome position (GRCh38, 1-based): chr2:178,659,089, C>T on the plus strand (G>A on the coding strand, the complement: TTN is on the minus strand). VCF-style: chr2-178659089-C-T. GRCh37 (hg19) VCF-style: chr2-179523816-C-T.
Other names: c.13283-16772G>A (NM_003319.4); c.13859-16772G>A (NM_133437.4); c.13658-16772G>A (NM_133432.3); c.31658-1G>A (NM_133378.4); c.34439-1G>A (NM_001256850.1).
Identifiers: ClinVar variation 3376598 (VCV003376598.1).
Genomic context (GRCh38, chr2:178,659,089, plus strand): 5'-TGGGAGGAATAGCTTCAGGCACCTTCTTTTCTGGGACAGCTGCCTTTGGCACCTCTGGGA[C>T]TTTAAAGATATTAGTATTTTCATTATTAGACAAAGTAAAGACAAACAAACAATATCAAAC-3'